The following is an entry in ClinVar:

NM_000540.3(RYR1):c.8416C>T (p.Arg2806Cys)

Genes: RYR1 (ryanodine receptor 1; plus strand), LOC126862902 (BRD4-independent group 4 enhancer GRCh37_chr19:38995830-38997029; plus strand). Cytogenetic location: 19q13.2.
Variant type: single nucleotide variant.
Coding change: c.8416C>T on transcript NM_000540.3 (MANE Select); coding-DNA position 8416, C replaced by T.
Protein change: p.Arg2806Cys; replaces arginine 2806 with cysteine.
Molecular consequence: missense variant.
Genome position (GRCh38, 1-based): chr19:38,505,821, C>T. VCF-style: chr19-38505821-C-T. GRCh37 (hg19) VCF-style: chr19-38996461-C-T.
Other names: c.8416C>T, p.Arg2806Cys (NM_001042723.2); short protein forms R2806C.
Identifiers: ClinVar variation 854444 (VCV000854444.19), dbSNP rs772769577, ClinGen allele CA072010.

ClinVar aggregate classification (germline): Uncertain significance. Review status: criteria provided, multiple submitters, no conflicts (2 of 4 stars). 6 submissions from 5 submitters: Uncertain significance (6). Last evaluated 2026-01-19.

Conditions:
Malignant hyperthermia, susceptibility to, 1 (MHS1). Also called: Anesthesia related hyperthermia; Malignant hyperpyrexia; Fulminating hyperpyrexia; Pharmacogenic myopathy; Malignant hyperthermia suceptibility 1; RYR1-Related Malignant Hyperthermia Susceptibility. Identifiers: Orphanet 423, MedGen C2930980, MONDO:0007783, OMIM 145600.
Congenital multicore myopathy with external ophthalmoplegia (CMYO1B). Also called: MULTIMINICORE DISEASE WITH EXTERNAL OPHTHALMOPLEGIA; MULTICORE MYOPATHY; Minicore myopathy with external ophthalmoplegia; Congenital myopathy 1B, autosomal recessive; Minicore myopathy. Identifiers: Orphanet 598, Orphanet 98905, MedGen C1850674, MONDO:0009712, OMIM 255320, HP:0003789.
RYR1-related disorder. Also called: RYR1-related disorders; RYR1-related condition. Identifiers: MedGen CN239331.

Allele frequency attached by ClinVar (database versions not stated): gnomAD exomes 0.00001 and 0.00003; ExAC 0.00003; gnomAD 0.00003; TOPMed 0.00008.
gnomAD v4.1: 29 of 1,613,974 alleles (0.0018%); highest among the groups gnomAD compares: Admixed American, 0.015%; no homozygotes.

Submissions (6):

Labcorp Genetics (formerly Invitae), Labcorp
Classification: Uncertain significance for RYR1-related disorder. Last evaluated: 2026-01-19. Review status: criteria provided, single submitter. Criteria: Invitae Variant Classification Sherloc (09022015). Collection method: clinical testing. Allele origin: germline.
Comment: This sequence change replaces arginine, which is basic and polar, with cysteine, which is neutral and slightly polar, at codon 2806 of the RYR1 protein (p.Arg2806Cys). This variant is present in population databases (rs772769577, gnomAD 0.009%). This variant has not been reported in the literature in individuals affected with RYR1-related conditions. ClinVar contains an entry for this variant (Variation ID: 854444). Invitae Evidence Modeling of protein sequence and biophysical properties (such as structural, functional, and spatial information, amino acid conservation, physicochemical variation, residue mobility, and thermodynamic stability) indicates that this missense variant is not expected to disrupt RYR1 protein function with a negative predictive value of 80%. In summary, the available evidence is currently insufficient to determine the role of this variant in disease. Therefore, it has been classified as a Variant of Uncertain Significance.

GeneDx
Classification: Uncertain significance. Last evaluated: 2025-11-12. Review status: criteria provided, single submitter. Criteria: GeneDx Variant Classification Process June 2021. Collection method: clinical testing. Allele origin: germline. Affected: yes.
Comment: In silico analysis supports that this missense variant has a deleterious effect on protein structure/function; Has not been previously published as pathogenic or benign to our knowledge; This variant is associated with the following publications: (PMID: 12668474)

Color Diagnostics, LLC DBA Color Health
Classification: Uncertain significance for Malignant hyperthermia, susceptibility to, 1. Last evaluated: 2024-03-06. Review status: criteria provided, single submitter. Criteria: ACMG Guidelines, 2015. Collection method: clinical testing. Allele origin: germline.
Comment: This missense variant replaces arginine with cysteine at codon 2806 of the RYR1 protein. Computational prediction suggests that this variant may have deleterious impact on protein structure and function. To our knowledge, functional studies have not been reported for this variant. This variant has not been reported in individuals affected with RYR1-related disorders in the literature. This variant has been identified in 7/251370 chromosomes in the general population by the Genome Aggregation Database (gnomAD). The available evidence is insufficient to determine the role of this variant in disease conclusively. Therefore, this variant is classified as a Variant of Uncertain Significance.

Blueprint Genetics
Classification: Uncertain significance. Last evaluated: 2021-10-13. Review status: criteria provided, single submitter. Criteria: ACMG Guidelines, 2015. Collection method: clinical testing. Allele origin: germline.

Illumina Laboratory Services, Illumina
Classification: Uncertain significance for Congenital multicore myopathy with external ophthalmoplegia. Last evaluated: 2018-01-12. Review status: criteria provided, single submitter. Criteria: ICSL Variant Classification Criteria 13 December 2019. Collection method: clinical testing. Allele origin: germline.

Illumina Laboratory Services, Illumina
Classification: Uncertain significance for Malignant hyperthermia, susceptibility to, 1. Last evaluated: 2018-01-12. Review status: criteria provided, single submitter. Criteria: ICSL Variant Classification Criteria 13 December 2019. Collection method: clinical testing. Allele origin: germline.